The following is an entry in ClinVar:

ClinVar aggregate classification (germline): Uncertain significance (1 of 4 stars; one submission).

Conditions:
Gorlin syndrome. Also called: Nevoid Basal Cell Carcinoma Syndrome; Basal cell nevus syndrome. Identifiers: Orphanet 377, MedGen C0004779, MONDO:0007187.

Submission:

Labcorp Genetics (formerly Invitae), Labcorp
Classification: Uncertain significance for Gorlin syndrome. Last evaluated: 2020-03-14. Review status: criteria provided, single submitter. Criteria: Invitae Variant Classification Sherloc (09022015). Collection method: clinical testing. Allele origin: germline.
Comment: This sequence change replaces alanine with threonine at codon 1187 of the PTCH1 protein (p.Ala1187Thr). The alanine residue is weakly conserved and there is a small physicochemical difference between alanine and threonine. This variant is not present in population databases (ExAC no frequency). This variant has not been reported in the literature in individuals with PTCH1-related conditions. Algorithms developed to predict the effect of missense changes on protein structure and function (SIFT, PolyPhen-2, Align-GVGD) all suggest that this variant is likely to be tolerated, but these predictions have not been confirmed by published functional studies and their clinical significance is uncertain. In summary, the available evidence is currently insufficient to determine the role of this variant in disease. Therefore, it has been classified as a Variant of Uncertain Significance.

NM_000264.5(PTCH1):c.3559G>A (p.Ala1187Thr)

Gene: PTCH1 (patched 1; minus strand). Cytogenetic location: 9q22.32.
Variant type: single nucleotide variant.
Coding change: c.3559G>A on transcript NM_000264.5 (MANE Select); coding-DNA position 3559, G replaced by A.
Protein change: p.Ala1187Thr; replaces alanine 1187 with threonine.
Molecular consequence: missense variant. On other transcripts: non-coding transcript variant (1).
Genome position (GRCh38, 1-based): chr9:95,449,314, C>T on the plus strand (G>A on the coding strand, the complement: PTCH1 is on the minus strand). VCF-style: chr9-95449314-C-T. GRCh37 (hg19) VCF-style: chr9-98211596-C-T.
Other names: c.3361G>A, p.Ala1121Thr (NM_001083602.3); c.3556G>A, p.Ala1186Thr (NM_001083603.3); c.3106G>A, p.Ala1036Thr (NM_001083604.3, NM_001083605.3, NM_001083606.3 and 1 more transcripts); c.3403G>A, p.Ala1135Thr (NM_001354918.2); short protein forms A1135T, A1186T, A1187T, A1036T, A1121T.
Identifiers: ClinVar variation 1010395 (VCV001010395.9), dbSNP rs1838241713, ClinGen allele CA374111401.
Genomic context (GRCh38, chr9:95,449,314, plus strand): 5'-AGCGGACCACGCTGGGGGGTGGCTCAGGGGAGGGTGTGGGCAGGCGGTTCAAGCCGTTGG[C>T]TGGAGACACCTATTTAAGGGGATTCCATGTTAAAAGTGTTCTTGTCCATTTACCTGCTGG-3'
Protein context (NP_000255.2, residues 1177-1197): FFGPYPEVSP[Ala1187Thr]NGLNRLPTPS